The following is an entry in ClinVar:

ClinVar aggregate classification (germline): Uncertain significance. Review status: criteria provided, multiple submitters, no conflicts (2 of 4 stars). 4 submissions from 4 submitters: Uncertain significance (3). 1 of the submissions does not count toward it. Last evaluated 2024-01-31.

Conditions:
Inborn genetic diseases. Identifiers: MedGen C0950123, MeSH D030342.
Bardet-Biedl syndrome 12 (BBS12). Identifiers: Orphanet 110, MedGen C1859570, MONDO:0014440, OMIM 615989.
Bardet-Biedl syndrome (BBS). Identifiers: Orphanet 110, MedGen C0752166, MONDO:0015229.
BBS12-related disorder. Also called: BBS12-related condition.

Allele frequency attached by ClinVar (database versions not stated): gnomAD 0.00001; gnomAD exomes 0.00001; TOPMed 0.00001; ExAC 0.00002.
gnomAD v4.1: 17 of 1,614,036 alleles (0.0011%); highest among the groups gnomAD compares: Non-Finnish European, 0.0013%; no homozygotes.

Submissions (4):

Fulgent Genetics
Classification: Uncertain significance for Bardet-Biedl syndrome 12. Last evaluated: 2024-01-31. Review status: criteria provided, single submitter. Criteria: ACMG Guidelines, 2015. Collection method: clinical testing. Allele origin: germline.

Ambry Genetics
Classification: Uncertain significance for Inborn genetic diseases. Last evaluated: 2023-06-27. Review status: criteria provided, single submitter. Criteria: Ambry Variant Classification Scheme 2023. Collection method: clinical testing. Allele origin: germline.

Labcorp Genetics (formerly Invitae), Labcorp
Classification: Uncertain significance for Bardet-Biedl syndrome. Last evaluated: 2022-10-24. Review status: criteria provided, single submitter. Criteria: Invitae Variant Classification Sherloc (09022015). Collection method: clinical testing. Allele origin: germline.
Comment: This sequence change replaces histidine, which is basic and polar, with aspartic acid, which is acidic and polar, at codon 563 of the BBS12 protein (p.His563Asp). This variant is present in population databases (rs745393351, gnomAD 0.004%). This variant has not been reported in the literature in individuals affected with BBS12-related conditions. Algorithms developed to predict the effect of missense changes on protein structure and function (SIFT, PolyPhen-2, Align-GVGD) all suggest that this variant is likely to be tolerated. In summary, the available evidence is currently insufficient to determine the role of this variant in disease. Therefore, it has been classified as a Variant of Uncertain Significance.

PreventionGenetics, part of Exact Sciences
Classification: Uncertain significance for BBS12-related condition. Last evaluated: 2024-02-15. Review status: no assertion criteria provided. Collection method: clinical testing. Allele origin: germline. Not counted in ClinVar's aggregate classification.
Comment: The BBS12 c.1687C>G variant is predicted to result in the amino acid substitution p.His563Asp. To our knowledge, this variant has not been reported in the literature. This variant is reported in 0.0026% of alleles in individuals of European (Non-Finnish) descent in gnomAD. At this time, the clinical significance of this variant is uncertain due to the absence of conclusive functional and genetic evidence.

NM_152618.3(BBS12):c.1687C>G (p.His563Asp)

Gene: BBS12 (Bardet-Biedl syndrome 12; plus strand). Cytogenetic location: 4q27.
Variant type: single nucleotide variant.
Coding change: c.1687C>G on transcript NM_152618.3 (MANE Select); coding-DNA position 1687, C replaced by G.
Protein change: p.His563Asp; replaces histidine 563 with aspartic acid.
Molecular consequence: missense variant.
Genome position (GRCh38, 1-based): chr4:122,743,579, C>G. VCF-style: chr4-122743579-C-G. GRCh37 (hg19) VCF-style: chr4-123664734-C-G.
Other names: c.1687C>G (NM_152618.2); c.1687C>G, p.His563Asp (NM_001178007.2); short protein forms H563D.
Identifiers: ClinVar variation 2084397 (VCV002084397.5), dbSNP rs745393351, ClinGen allele CA3069490.